The following is an entry in ClinVar:

NM_007129.5(ZIC2):c.298C>T (p.Pro100Ser)

Gene: ZIC2 (Zic family zinc finger 2; plus strand). Cytogenetic location: 13q32.3.
Variant type: single nucleotide variant.
Coding change: c.298C>T on transcript NM_007129.5 (MANE Select); coding-DNA position 298, C replaced by T.
Protein change: p.Pro100Ser; replaces proline 100 with serine.
Molecular consequence: missense variant.
Genome position (GRCh38, 1-based): chr13:99,982,362, C>T. VCF-style: chr13-99982362-C-T. GRCh37 (hg19) VCF-style: chr13-100634616-C-T.
Other names: short protein forms P100S.
Identifiers: ClinVar variation 2836674 (VCV002836674.3), dbSNP rs1422177150, ClinGen allele CA388636976.

ClinVar aggregate classification (germline): Uncertain significance (1 of 4 stars; one submission).

Conditions:
Holoprosencephaly 5 (HPE5). Identifiers: Orphanet 2162, MedGen C1864827, MONDO:0012322, OMIM 609637.

Allele frequency attached by ClinVar (database versions not stated): gnomAD exomes below 0.00001.

Submission:

Labcorp Genetics (formerly Invitae), Labcorp
Classification: Uncertain significance for Holoprosencephaly 5. Last evaluated: 2024-04-05. Review status: criteria provided, single submitter. Criteria: Invitae Variant Classification Sherloc (09022015). Collection method: clinical testing. Allele origin: germline.
Comment: This sequence change replaces proline, which is neutral and non-polar, with serine, which is neutral and polar, at codon 100 of the ZIC2 protein (p.Pro100Ser). The frequency data for this variant in the population databases is considered unreliable, as metrics indicate poor data quality at this position in the gnomAD database. This variant has not been reported in the literature in individuals affected with ZIC2-related conditions. Advanced modeling of protein sequence and biophysical properties (such as structural, functional, and spatial information, amino acid conservation, physicochemical variation, residue mobility, and thermodynamic stability) performed at Invitae indicates that this missense variant is not expected to disrupt ZIC2 protein function with a negative predictive value of 80%. In summary, the available evidence is currently insufficient to determine the role of this variant in disease. Therefore, it has been classified as a Variant of Uncertain Significance.